The following is an entry in ClinVar:

NM_001080421.3(UNC13A):c.1153G>A (p.Glu385Lys)

Gene: UNC13A (unc-13 homolog A; minus strand). Cytogenetic location: 19p13.11.
Variant type: single nucleotide variant.
Coding change: c.1153G>A on transcript NM_001080421.3 (MANE Select); coding-DNA position 1153, G replaced by A.
Protein change: p.Glu385Lys; replaces glutamic acid 385 with lysine.
Molecular consequence: missense variant.
Genome position (GRCh38, 1-based): chr19:17,656,013, C>T on the plus strand (G>A on the coding strand, the complement: UNC13A is on the minus strand). VCF-style: chr19-17656013-C-T. GRCh37 (hg19) VCF-style: chr19-17766822-C-T.
Other names: c.1153G>A, p.Glu385Lys (NM_001387021.1, NM_001387022.1, NM_001387023.1); short protein forms E385K.
Identifiers: ClinVar variation 2524232 (VCV002524232.3), dbSNP rs372619205, ClinGen allele CA9298596.

ClinVar aggregate classification (germline): Uncertain significance. Review status: criteria provided, single submitter (1 of 4 stars). 2 submissions from 2 submitters: Uncertain significance (1). 1 of the submissions does not count toward it. Last evaluated 2023-05-26.

Conditions:
UNC13A-related disorder. Also called: UNC13A-related condition.

Allele frequency attached by ClinVar (database versions not stated): gnomAD exomes 0.00001; gnomAD 0.00002; ExAC 0.00005; TOPMed 0.00005; ESP Exome Variant Server 0.00008.
gnomAD v4.1: 16 of 1,579,942 alleles (0.001%); highest among the groups gnomAD compares: Non-Finnish European, 0.0012%; no homozygotes.

Submissions (2):

Ambry Genetics
Classification: Uncertain significance. Last evaluated: 2023-05-26. Review status: criteria provided, single submitter. Criteria: Ambry Variant Classification Scheme 2023. Collection method: clinical testing. Allele origin: germline.

PreventionGenetics, part of Exact Sciences
Classification: Uncertain significance for UNC13A-related condition. Last evaluated: 2024-07-26. Review status: no assertion criteria provided. Collection method: clinical testing. Allele origin: germline. Not counted in ClinVar's aggregate classification.
Comment: The UNC13A c.1153G>A variant is predicted to result in the amino acid substitution p.Glu385Lys. To our knowledge, this variant has not been reported in the literature. This variant is reported in 0.0012% of alleles in individuals of European (Non-Finnish) descent in gnomAD. At this time, the clinical significance of this variant is uncertain due to the absence of conclusive functional and genetic evidence.